The following is an entry in ClinVar:

NM_000642.3(AGL):c.1612-1G>A

Gene: AGL (amylo-alpha-1,6-glucosidase and 4-alpha-glucanotransferase; plus strand). Cytogenetic location: 1p21.2.
Variant type: single nucleotide variant.
Coding change: c.1612-1G>A on transcript NM_000642.3 (MANE Select); the canonical splice acceptor site of the intron before coding-DNA position 1612, G replaced by A.
Molecular consequence: splice acceptor variant.
Genome position (GRCh38, 1-based): chr1:99,879,922, G>A. VCF-style: chr1-99879922-G-A. GRCh37 (hg19) VCF-style: chr1-100345478-G-A.
Other names: c.1612-1G>A (NM_000642.2, NM_000643.3, NM_000644.3 and 3 more transcripts); c.1564-1G>A (NM_000646.3); c.1411-1G>A (NM_001425327.1); c.1408-1G>A (NM_001425328.1, NM_001425329.1); c.1234-1G>A (NM_001425332.1).
Identifiers: ClinVar variation 998105 (VCV000998105.4), dbSNP rs1327892944, ClinGen allele CA341315350.

ClinVar aggregate classification (germline): Pathogenic/Likely pathogenic. Review status: criteria provided, multiple submitters, no conflicts (2 of 4 stars). 3 submissions from 3 submitters: Pathogenic (1); Likely pathogenic (2). Last evaluated 2023-09-18.

Conditions:
Glycogen storage disease type III (GSD3). Also called: FORBES DISEASE; Cori disease. Identifiers: Orphanet 366, MedGen C0017922, MONDO:0009291, OMIM 232400.

gnomAD v4.1: 2 of 1,610,454 alleles (0.00012%); highest among the groups gnomAD compares: Non-Finnish European, 0.00017%; no homozygotes.

Submissions (3):

Baylor Genetics
Classification: Likely pathogenic for Glycogen storage disease type III. Last evaluated: 2023-09-18. Review status: criteria provided, single submitter. Criteria: ACMG Guidelines, 2015. Collection method: clinical testing. Allele origin: unknown.

Centre for Human Genetics
Classification: Likely pathogenic for Glycogen storage disease type III. Last evaluated: 2020-06-15. Review status: criteria provided, single submitter. Criteria: ACMG Guidelines, 2015. Collection method: clinical testing. Allele origin: inherited. Inheritance: Autosomal recessive inheritance. Affected: yes. Observed: 1 variant allele.
Comment: disease causing

Neuberg Centre For Genomic Medicine, NCGM
Classification: Pathogenic for Glycogen storage disease type III. Review status: criteria provided, single submitter. Criteria: ACMG Guidelines, 2015. Collection method: clinical testing. Allele origin: germline. Inheritance: Autosomal recessive inheritance. Affected: yes.